The following is an entry in ClinVar:

NM_001813.3(CENPE):c.7593A>T (p.Gly2531=)

Gene: CENPE (centromere protein E; minus strand). Cytogenetic location: 4q24.
Variant type: single nucleotide variant.
Coding change: c.7593A>T on transcript NM_001813.3 (MANE Select); coding-DNA position 7593, A replaced by T.
Protein change: p.Gly2531=; no amino-acid change (glycine 2531 retained).
Molecular consequence: synonymous variant.
Genome position (GRCh38, 1-based): chr4:103,110,959, T>A on the plus strand (A>T on the coding strand, the complement: CENPE is on the minus strand). VCF-style: chr4-103110959-T-A. GRCh37 (hg19) VCF-style: chr4-104032116-T-A.
Other names: c.7230A>T, p.Gly2410= (NM_001286734.2).
Identifiers: ClinVar variation 3061477 (VCV003061477.2), dbSNP rs2477302089, ClinGen allele CA440533213.

ClinVar aggregate classification (germline): Likely benign (0 of 4 stars; one submission).

Conditions:
CENPE-related disorder. Also called: CENPE-related condition.

Submission:

PreventionGenetics, part of Exact Sciences
Classification: Likely benign for CENPE-related condition. Last evaluated: 2021-06-29. Review status: no assertion criteria provided. Collection method: clinical testing. Allele origin: germline.
Comment: This variant is classified as likely benign based on ACMG/AMP sequence variant interpretation guidelines (Richards et al. 2015 PMID: 25741868, with internal and published modifications).